The following is an entry in ClinVar:

ClinVar aggregate classification (germline): Uncertain significance (1 of 4 stars; one submission).

Conditions:
Charcot-Marie-Tooth disease type 4. Also called: Charcot-Marie-Tooth disease, type IV; Charcot-Marie-Tooth, Type 4. Identifiers: Orphanet 64749, MedGen C4082197, MONDO:0018995.

Allele frequency attached by ClinVar (database versions not stated): TOPMed 0.00001; ExAC 0.00002; gnomAD 0.00003; gnomAD exomes 0.00003 and 0.00004.
gnomAD v4.1: 57 of 1,613,888 alleles (0.0035%); highest among the groups gnomAD compares: Non-Finnish European, 0.0047%; no homozygotes.

Submission:

Labcorp Genetics (formerly Invitae), Labcorp
Classification: Uncertain significance for Charcot-Marie-Tooth disease type 4. Last evaluated: 2022-02-18. Review status: criteria provided, single submitter. Criteria: Invitae Variant Classification Sherloc (09022015). Collection method: clinical testing. Allele origin: germline.
Comment: This sequence change replaces proline, which is neutral and non-polar, with alanine, which is neutral and non-polar, at codon 382 of the PRX protein (p.Pro382Ala). This variant is present in population databases (rs759440986, gnomAD 0.006%). This variant has not been reported in the literature in individuals affected with PRX-related conditions. ClinVar contains an entry for this variant (Variation ID: 579157). Algorithms developed to predict the effect of missense changes on protein structure and function are either unavailable or do not agree on the potential impact of this missense change (SIFT: "Tolerated"; PolyPhen-2: "Possibly Damaging"; Align-GVGD: "Class C0"). In summary, the available evidence is currently insufficient to determine the role of this variant in disease. Therefore, it has been classified as a Variant of Uncertain Significance.

NM_181882.3(PRX):c.1144C>G (p.Pro382Ala)

Gene: PRX (periaxin; minus strand). Cytogenetic location: 19q13.2.
Variant type: single nucleotide variant.
Coding change: c.1144C>G on transcript NM_181882.3 (MANE Select); coding-DNA position 1144, C replaced by G.
Protein change: p.Pro382Ala; replaces proline 382 with alanine.
Molecular consequence: missense variant. On other transcripts: 3 prime UTR variant (1).
Genome position (GRCh38, 1-based): chr19:40,397,208, G>C on the plus strand (C>G on the coding strand, the complement: PRX is on the minus strand). VCF-style: chr19-40397208-G-C. GRCh37 (hg19) VCF-style: chr19-40903115-G-C.
Other names: c.*1349C>G (NM_020956.2); short protein forms P382A.
Identifiers: ClinVar variation 579157 (VCV000579157.6), dbSNP rs759440986, ClinGen allele CA9444315.